The following is an entry in ClinVar:

ClinVar aggregate classification (germline): Likely benign. Review status: criteria provided, multiple submitters, no conflicts (2 of 4 stars). 2 submissions from 2 submitters: Likely benign (2). Last evaluated 2026-01-04.

Conditions:
Ehlers-Danlos syndrome, dermatosparaxis type. Also called: EDS VIIC; Dermatosparaxis; Ehlers-Danlos syndrome, type VII, autosomal recessive. Identifiers: Orphanet 1901, MedGen C2700425, MONDO:0009161, OMIM 225410.

Submissions (2):

Labcorp Genetics (formerly Invitae), Labcorp
Classification: Likely benign for Ehlers-Danlos syndrome, dermatosparaxis type. Last evaluated: 2026-01-04. Review status: criteria provided, single submitter. Criteria: Invitae Variant Classification Sherloc (09022015). Collection method: clinical testing. Allele origin: germline.

GeneDx
Classification: Likely benign. Last evaluated: 2016-12-01. Review status: criteria provided, single submitter. Criteria: GeneDx Variant Classification (06012015). Collection method: clinical testing. Allele origin: germline. Affected: yes.
Comment: This variant is considered likely benign or benign based on one or more of the following criteria: it is a conservative change, it occurs at a poorly conserved position in the protein, it is predicted to be benign by multiple in silico algorithms, and/or has population frequency not consistent with disease.

NM_014244.5(ADAMTS2):c.2210-21_2210-20del

Gene: ADAMTS2 (ADAM metallopeptidase with thrombospondin type 1 motif 2; minus strand). Cytogenetic location: 5q35.3.
Variant type: Microsatellite.
Coding change: c.2210-21_2210-20del on transcript NM_014244.5 (MANE Select); 21 bases into the intron before coding-DNA position 2210 through 20 bases into the intron before coding-DNA position 2210, 2 bases deleted (GT; older notation c.2210-21_2210-20delGT).
Molecular consequence: intron variant.
Genome position (GRCh38, 1-based): chr5:179,132,330-179,132,331, AC deleted on the plus strand (GT on the coding strand, the reverse complement: ADAMTS2 is on the minus strand); deleting any 2 consecutive bases within chr5:179,132,330-179,132,334 gives the same sequence; the c. name uses the placement nearest the transcript's 3' end. VCF-style (leftmost placement, unchanged base first): chr5-179132329-GAC-G. GRCh37 (hg19) VCF-style: chr5-178559330-GAC-G.
Other names: c.2210-21_2210-20delGT (NM_014244.4).
Identifiers: ClinVar variation 422802 (VCV000422802.6), dbSNP rs531944108, ClinGen allele CA3595629.